The following is an entry in ClinVar:

ClinVar aggregate classification (germline): Uncertain significance (1 of 4 stars; one submission).

gnomAD v4.1: 1 of 1,614,118 alleles (0.000062%); highest among the groups gnomAD compares: South Asian, 0.0011%; no homozygotes.

Submission:

Women's Health and Genetics/Laboratory Corporation of America, LabCorp
Classification: Uncertain significance. Last evaluated: 2023-02-15. Review status: criteria provided, single submitter. Criteria: LabCorp Variant Classification Summary - May 2015. Collection method: clinical testing. Allele origin: germline.
Comment: Variant summary: HFE c.282G>T (p.Trp94Cys) results in a non-conservative amino acid change located in the MHC class I alpha chain, alpha1 alpha2 domains (IPR001039) of the encoded protein sequence. Three of five in-silico tools predict a damaging effect of the variant on protein function. The variant was absent in 251464 control chromosomes. The available data on variant occurrences in the general population are insufficient to allow any conclusion about variant significance. To our knowledge, no occurrence of c.282G>T in individuals affected with Hemochromatosis Type 1 and no experimental evidence demonstrating its impact on protein function have been reported. No submitters have provided clinical-significance assessments for this variant to ClinVar after 2014. Based on the evidence outlined above, the variant was classified as uncertain significance.

NM_000410.4(HFE):c.282G>T (p.Trp94Cys)

Gene: HFE (homeostatic iron regulator; plus strand). Cytogenetic location: 6p22.2.
Variant type: single nucleotide variant.
Coding change: c.282G>T on transcript NM_000410.4 (MANE Select); coding-DNA position 282, G replaced by T.
Protein change: p.Trp94Cys; replaces tryptophan 94 with cysteine.
Molecular consequence: missense variant. On other transcripts: intron variant (4).
Genome position (GRCh38, 1-based): chr6:26,091,046, G>T. VCF-style: chr6-26091046-G-T. GRCh37 (hg19) VCF-style: chr6-26091274-G-T.
Other names: c.282G>T, p.Trp94Cys (NM_001300749.3, NM_001384164.1, NM_001406751.1 and 3 more transcripts); c.213G>T, p.Trp71Cys (NM_139009.3); c.77-268G>T (NM_139007.3, NM_139008.3); c.77-1639G>T (NM_139010.3); c.77-2073G>T (NM_139011.3); short protein forms W71C, W94C.
Identifiers: ClinVar variation 2445853 (VCV002445853.1), dbSNP rs2481603630, ClinGen allele CA363206102.